The following is an entry in ClinVar:

ClinVar aggregate classification (germline): Likely benign (1 of 4 stars; one submission).

Allele frequency attached by ClinVar (database versions not stated): gnomAD exomes below 0.00001; gnomAD 0.00001.

Submission:

Women's Health and Genetics/Laboratory Corporation of America, LabCorp
Classification: Likely benign. Last evaluated: 2024-01-16. Review status: criteria provided, single submitter. Criteria: LabCorp Variant Classification Summary - May 2015. Collection method: clinical testing. Allele origin: germline.
Comment: Variant summary: TRPM4 c.3132-20T>C alters a nucleotide located at a position not widely known to affect splicing. The variant allele was found at a frequency of 4e-06 in 250650 control chromosomes. The available data on variant occurrences in the general population are insufficient to allow any conclusion about variant significance. To our knowledge, no occurrence of c.3132-20T>C in individuals affected with Progressive Familial Heart Block Type 1B and no experimental evidence demonstrating its impact on protein function have been reported. No submitters have cited clinical-significance assessments for this variant to ClinVar. Based on the evidence outlined above, the variant was classified as likely benign.

NM_017636.4(TRPM4):c.3132-20T>C

Gene: TRPM4 (transient receptor potential cation channel subfamily M member 4; plus strand). Cytogenetic location: 19q13.33.
Variant type: single nucleotide variant.
Coding change: c.3132-20T>C on transcript NM_017636.4 (MANE Select); 20 bases into the intron before coding-DNA position 3132, T replaced by C.
Molecular consequence: intron variant.
Genome position (GRCh38, 1-based): chr19:49,210,189, T>C. VCF-style: chr19-49210189-T-C. GRCh37 (hg19) VCF-style: chr19-49713446-T-C.
Other names: c.2697-20T>C (NM_001195227.2); c.1524-20T>C (NM_001321282.2); c.2787-20T>C (NM_001321281.2); c.2610-20T>C (NM_001321283.2); c.2070-20T>C (NM_001321285.2).
Identifiers: ClinVar variation 3063951 (VCV003063951.1), dbSNP rs1313263973, ClinGen allele CA633890974.